The following is an entry in ClinVar:

NM_053025.4(MYLK):c.2674del (p.Val892fs)

Gene: MYLK (myosin light chain kinase; minus strand). Cytogenetic location: 3q21.1.
Variant type: Deletion.
Coding change: c.2674del on transcript NM_053025.4 (MANE Select); coding-DNA position 2674, one base deleted (G; older notation c.2674delG).
Protein change: p.Val892fs; shifts the reading frame from valine 892.
Molecular consequence: frameshift variant.
Genome position (GRCh38, 1-based): chr3:123,700,794, C deleted on the plus strand (G on the coding strand, the reverse complement: MYLK is on the minus strand); the first of 2 consecutive C bases (chr3:123,700,794-123,700,795); deleting either gives the same sequence. VCF-style (leftmost placement, unchanged base first): chr3-123700793-AC-A. GRCh37 (hg19) VCF-style: chr3-123419640-AC-A.
Other names: c.2146del, p.Val716fs (NM_001321309.2); c.2467del, p.Val823fs (NM_053026.4, NM_053028.4); c.2674del, p.Val892fs (NM_053027.4); short protein forms V716fs, V823fs, V892fs.
Identifiers: ClinVar variation 3661662 (VCV003661662.2).

ClinVar aggregate classification (germline): Uncertain significance (1 of 4 stars; one submission).

Conditions:
Aortic aneurysm, familial thoracic 7 (AAT7). Also called: AORTIC DISSECTION, FAMILIAL, WITH OR WITHOUT AORTIC ANEURYSM. Identifiers: MedGen C3151077, MONDO:0013418, OMIM 613780.

Submission:

Labcorp Genetics (formerly Invitae), Labcorp
Classification: Uncertain significance for Aortic aneurysm, familial thoracic 7. Last evaluated: 2024-08-07. Review status: criteria provided, single submitter. Criteria: Invitae Variant Classification Sherloc (09022015). Collection method: clinical testing. Allele origin: germline.
Comment: This sequence change creates a premature translational stop signal (p.Val892Trpfs*14) in the MYLK gene. This variant occurs in the long isoform of MYLK (PMID: 21055718). The current clinical and genetic evidence is not sufficient to establish whether loss-of-function variants in the long isoform of MYLK cause disease. This variant is not present in population databases (gnomAD no frequency). This variant has not been reported in the literature in individuals affected with MYLK-related conditions. In summary, the available evidence is currently insufficient to determine the role of this variant in disease. Therefore, it has been classified as a Variant of Uncertain Significance.

Literature cited by the submitters: PubMed 21055718.